The following is an entry in ClinVar:

NM_000342.4(SLC4A1):c.229G>A (p.Glu77Lys)

Gene: SLC4A1 (solute carrier family 4 member 1 (Diego blood group); minus strand). Cytogenetic location: 17q21.31.
Variant type: single nucleotide variant.
Coding change: c.229G>A on transcript NM_000342.4 (MANE Select); coding-DNA position 229, G replaced by A.
Protein change: p.Glu77Lys; replaces glutamic acid 77 with lysine.
Molecular consequence: missense variant.
Genome position (GRCh38, 1-based): chr17:44,260,755, C>T on the plus strand (G>A on the coding strand, the complement: SLC4A1 is on the minus strand). VCF-style: chr17-44260755-C-T. GRCh37 (hg19) VCF-style: chr17-42338123-C-T.
Other names: short protein forms E77K.
Identifiers: ClinVar variation 591478 (VCV000591478.5), dbSNP rs1567834917, ClinGen allele CA399796322.

ClinVar aggregate classification (germline): Uncertain significance. Review status: criteria provided, single submitter (1 of 4 stars). 2 submissions from 2 submitters: Uncertain significance (1). 1 of the submissions does not count toward it. Last evaluated 2022-05-15.

Allele frequency attached by ClinVar (database versions not stated): gnomAD exomes below 0.00001; TOPMed below 0.00001; gnomAD 0.00001.

Submissions (2):

Labcorp Genetics (formerly Invitae), Labcorp
Classification: Uncertain significance. Last evaluated: 2022-05-15. Review status: criteria provided, single submitter. Criteria: Invitae Variant Classification Sherloc (09022015). Collection method: clinical testing. Allele origin: germline.
Comment: This variant has not been reported in the literature in individuals affected with SLC4A1-related conditions. In summary, the available evidence is currently insufficient to determine the role of this variant in disease. Therefore, it has been classified as a Variant of Uncertain Significance. Algorithms developed to predict the effect of missense changes on protein structure and function are either unavailable or do not agree on the potential impact of this missense change (SIFT: "Deleterious"; PolyPhen-2: "Probably Damaging"; Align-GVGD: "Class C0"). ClinVar contains an entry for this variant (Variation ID: 591478). This variant is not present in population databases (gnomAD no frequency). This sequence change replaces glutamic acid, which is acidic and polar, with lysine, which is basic and polar, at codon 77 of the SLC4A1 protein (p.Glu77Lys).

Gharavi Laboratory, Columbia University
Classification: Uncertain significance. Last evaluated: 2018-09-16. Review status: no assertion criteria provided. Criteria: ACMG Guidelines, 2015. Collection method: research. Allele origin: germline. Affected: yes. Not counted in ClinVar's aggregate classification.